The following is an entry in ClinVar:

NM_005859.5(PURA):c.575C>T (p.Ala192Val)

Gene: PURA (purine rich element binding protein A; plus strand). Cytogenetic location: 5q31.3.
Variant type: single nucleotide variant.
Coding change: c.575C>T on transcript NM_005859.5 (MANE Select); coding-DNA position 575, C replaced by T.
Protein change: p.Ala192Val; replaces alanine 192 with valine.
Molecular consequence: missense variant.
Genome position (GRCh38, 1-based): chr5:140,114,756, C>T. VCF-style: chr5-140114756-C-T. GRCh37 (hg19) VCF-style: chr5-139494341-C-T.
Other names: short protein forms A192V.
Identifiers: ClinVar variation 3602286 (VCV003602286.2).

ClinVar aggregate classification (germline): Pathogenic (1 of 4 stars; one submission).

Submission:

GeneDx
Classification: Pathogenic. Last evaluated: 2025-04-08. Review status: criteria provided, single submitter. Criteria: GeneDx Variant Classification Process June 2021. Collection method: clinical testing. Allele origin: germline. Affected: yes.
Comment: In silico analysis supports that this missense variant has a deleterious effect on protein structure/function; Not observed at significant frequency in large population cohorts (gnomAD); This variant is associated with the following publications: (PMID: 36376392)